The following is an entry in ClinVar:

NM_002485.5(NBN):c.1081A>G (p.Thr361Ala)

Gene: NBN (nibrin; minus strand). Cytogenetic location: 8q21.3.
Variant type: single nucleotide variant.
Coding change: c.1081A>G on transcript NM_002485.5 (MANE Select); coding-DNA position 1081, A replaced by G.
Protein change: p.Thr361Ala; replaces threonine 361 with alanine.
Molecular consequence: missense variant.
Genome position (GRCh38, 1-based): chr8:89,958,768, T>C on the plus strand (A>G on the coding strand, the complement: NBN is on the minus strand). VCF-style: chr8-89958768-T-C. GRCh37 (hg19) VCF-style: chr8-90970996-T-C.
Other names: c.835A>G, p.Thr279Ala (NM_001024688.3); short protein forms T361A, T279A.
Identifiers: ClinVar variation 566667 (VCV000566667.17), dbSNP rs1563538728, ClinGen allele CA371656651.

ClinVar aggregate classification (germline): Uncertain significance. Review status: criteria provided, multiple submitters, no conflicts (2 of 4 stars). 6 submissions from 6 submitters: Uncertain significance (6). Last evaluated 2025-10-10.

Conditions:
Microcephaly, normal intelligence and immunodeficiency (NBS). Also called: Nijmegen breakage syndrome; Immunodeficiency, microcephaly with normal intelligence; SEEMANOVA SYNDROME II; Microcephaly with normal intelligence immunodeficiency and lymphoreticular malignancies; Nonsyndromal microcephaly autosomal recessive with normal intelligence; Seemanova syndrome 2. Identifiers: Orphanet 647, MedGen C0398791, MONDO:0009623, OMIM 251260.
Hereditary cancer-predisposing syndrome. Also called: Neoplastic Syndromes, Hereditary; Tumor predisposition; Hereditary Cancer Syndrome; Hereditary neoplastic syndrome. Identifiers: Orphanet 140162, MedGen C0027672, MeSH D009386, MONDO:0015356.

Allele frequency attached by ClinVar (database versions not stated): gnomAD exomes below 0.00001.
gnomAD v4.1: 2 of 1,614,154 alleles (0.00012%); highest among the groups gnomAD compares: Middle Eastern, 0.017%; no homozygotes.

Submissions (6):

Labcorp Genetics (formerly Invitae), Labcorp
Classification: Uncertain significance for Microcephaly, normal intelligence and immunodeficiency. Last evaluated: 2025-10-10. Review status: criteria provided, single submitter. Criteria: Invitae Variant Classification Sherloc (09022015). Collection method: clinical testing. Allele origin: germline.
Comment: This sequence change replaces threonine, which is neutral and polar, with alanine, which is neutral and non-polar, at codon 361 of the NBN protein (p.Thr361Ala). This variant is not present in population databases (gnomAD no frequency). This variant has not been reported in the literature in individuals affected with NBN-related conditions. ClinVar contains an entry for this variant (Variation ID: 566667). An algorithm developed to predict the effect of missense changes on protein structure and function (PolyPhen-2) suggests that this variant is likely to be tolerated. In summary, the available evidence is currently insufficient to determine the role of this variant in disease. Therefore, it has been classified as a Variant of Uncertain Significance.

Ambry Genetics
Classification: Uncertain significance for Hereditary cancer-predisposing syndrome. Last evaluated: 2023-10-05. Review status: criteria provided, single submitter. Criteria: Ambry Variant Classification Scheme 2023. Collection method: clinical testing. Allele origin: germline.
Comment: The p.T361A variant (also known as c.1081A>G), located in coding exon 9 of the NBN gene, results from an A to G substitution at nucleotide position 1081. The threonine at codon 361 is replaced by alanine, an amino acid with similar properties. This alteration has been reported in 1/1197 individuals from Greece, Romania, and Turkey undergoing evaluation for inherited cancer predisposition (Tsaousis GN et al. BMC Cancer, 2019 Jun;19:535). This amino acid position is well conserved in available vertebrate species. In addition, this alteration is predicted to be tolerated by in silico analysis. Since supporting evidence is limited at this time, the clinical significance of this alteration remains unclear.

Mendelics
Classification: Uncertain significance. Last evaluated: 2023-06-19. Review status: criteria provided, single submitter. Criteria: Mendelics Assertion Criteria 2019. Collection method: clinical testing. Allele origin: germline.

Women's Health and Genetics/Laboratory Corporation of America, LabCorp
Classification: Uncertain significance. Last evaluated: 2022-09-08. Review status: criteria provided, single submitter. Criteria: LabCorp Variant Classification Summary - May 2015. Collection method: clinical testing. Allele origin: germline.
Comment: Variant summary: NBN c.1081A>G (p.Thr361Ala) results in a non-conservative amino acid change in the encoded protein sequence. Three of five in-silico tools predict a benign effect of the variant on protein function. The variant was absent in 251392 control chromosomes. The available data on variant occurrences in the general population are insufficient to allow any conclusion about variant significance. c.1081A>G has been reported in the literature in a cohort of individuals referred for hereditary cancer genetic testing (Tsaousis_2019). This report does not provide unequivocal conclusions about association of the variant with Nijmegen Breakage Syndrome. To our knowledge, no experimental evidence demonstrating an impact on protein function has been reported. Five clinical diagnostic laboratories have submitted clinical-significance assessments for this variant to ClinVar after 2014 without evidence for independent evaluation. Four submitters classified the variant as VUS while one classified as benign. Based on the evidence outlined above, the variant was classified as uncertain significance.

Genome-Nilou Lab
Classification: Uncertain significance for Microcephaly, normal intelligence and immunodeficiency. Last evaluated: 2021-11-07. Review status: criteria provided, single submitter. Criteria: ACMG Guidelines, 2015. Collection method: clinical testing. Allele origin: germline. Affected: no.

GeneKor MSA
Classification: Uncertain significance for Hereditary cancer-predisposing syndrome. Last evaluated: 2018-08-01. Review status: criteria provided, single submitter. Criteria: ACMG Guidelines, 2015. Collection method: clinical testing. Allele origin: germline. Affected: yes.

Literature cited by the submitters: PubMed 31159747 (cited by Ambry Genetics and Women's Health and Genetics/Laboratory Corporation of America, LabCorp).